The following is an entry in ClinVar:

NM_138615.3(DHX30):c.3107C>A (p.Thr1036Asn)

Gene: DHX30 (DExH-box helicase 30; plus strand). Cytogenetic location: 3p21.31.
Variant type: single nucleotide variant.
Coding change: c.3107C>A on transcript NM_138615.3 (MANE Select); coding-DNA position 3107, C replaced by A.
Protein change: p.Thr1036Asn; replaces threonine 1036 with asparagine.
Molecular consequence: missense variant.
Genome position (GRCh38, 1-based): chr3:47,849,470, C>A. VCF-style: chr3-47849470-C-A. GRCh37 (hg19) VCF-style: chr3-47890960-C-A.
Other names: c.3023C>A, p.Thr1008Asn (NM_001330990.2); c.2990C>A, p.Thr997Asn (NM_014966.4); short protein forms T1008N, T1036N, T997N.
Identifiers: ClinVar variation 3253387 (VCV003253387.1), dbSNP rs2549305442.

ClinVar aggregate classification (germline): Uncertain significance (1 of 4 stars; one submission).

Submission:

GeneDx
Classification: Uncertain significance. Last evaluated: 2023-12-12. Review status: criteria provided, single submitter. Criteria: GeneDx Variant Classification Process June 2021. Collection method: clinical testing. Allele origin: germline. Affected: yes.
Comment: Not observed at significant frequency in large population cohorts (gnomAD); In silico analysis supports that this missense variant has a deleterious effect on protein structure/function; Has not been previously published as pathogenic or benign to our knowledge